The following is an entry in ClinVar:

NM_001042492.3(NF1):c.1021_1038del (p.Val341_Val346del)

Gene: NF1 (neurofibromin 1; plus strand). Cytogenetic location: 17q11.2.
Variant type: Deletion.
Coding change: c.1021_1038del on transcript NM_001042492.3 (MANE Select); coding-DNA positions 1021 to 1038, 18 bases deleted (GTCATTTTCCTACTTGTT).
Protein change: p.Val341_Val346del.
Molecular consequence: inframe deletion. On other transcripts: inframe indel (1).
Genome position (GRCh38, 1-based): chr17:31,200,554-31,200,571, GTCATTTTCCTACTTGTT deleted; deleting any 18 consecutive bases within chr17:31,200,553-31,200,571 gives the same sequence; the c. name uses the placement nearest the transcript's 3' end. VCF-style (leftmost placement, unchanged base first): chr17-31200552-CTGTCATTTTCCTACTTGT-C. GRCh37 (hg19) VCF-style: chr17-29527570-CTGTCATTTTCCTACTTGT-C.
Other names: c.1021_1038del18, p.Val341_Val346del (NM_000267.4); c.1021_1038del, p.Val341_Val346del (NM_001128147.3).
Identifiers: ClinVar variation 1364582 (VCV001364582.8), dbSNP rs2143874028, ClinGen allele CA2573153535.
Genomic context (GRCh38, chr17:31,200,552, plus strand): 5'-CTGCAATTGCCTGTGTCAAACTGTGTAAAGCAAGTACTTACATCAATTGGGAAGATAACT[CTGTCATTTTCCTACTTGT>C]TCAGTCCATGGTGGTTGATCTTAAGGTAACATGCTTATTCTTTCTCTACTACAAACTTTA-3'

ClinVar aggregate classification (germline): Uncertain significance (1 of 4 stars; one submission).

Conditions:
Neurofibromatosis, type 1 (NF1). Also called: Peripheral type neurofibromatosis; Neurofibromatosis, type I; NEUROFIBROMATOSIS, TYPE I, SOMATIC; VON RECKLINGHAUSEN DISEASE. Identifiers: Orphanet 636, MedGen C0027831, MONDO:0018975, OMIM 162200. Disease mechanism: loss of function.

Submission:

Labcorp Genetics (formerly Invitae), Labcorp
Classification: Uncertain significance for Neurofibromatosis, type 1. Last evaluated: 2021-06-29. Review status: criteria provided, single submitter. Criteria: Invitae Variant Classification Sherloc (09022015). Collection method: clinical testing. Allele origin: germline.
Comment: In summary, the available evidence is currently insufficient to determine the role of this variant in disease. Therefore, it has been classified as a Variant of Uncertain Significance. This variant is not present in population databases (ExAC no frequency). This variant, c.1021_1038del, results in the deletion of 6 amino acid(s) of the NF1 protein (p.Val341_Val346del), but otherwise preserves the integrity of the reading frame. This variant has not been reported in the literature in individuals affected with NF1-related conditions. Experimental studies and prediction algorithms are not available or were not evaluated, and the functional significance of this variant is currently unknown.